The following is an entry in ClinVar:

ClinVar aggregate classification (germline): Uncertain significance (1 of 4 stars; one submission).

Conditions:
Charcot-Marie-Tooth disease type 4. Also called: Charcot-Marie-Tooth disease, type IV; Charcot-Marie-Tooth, Type 4. Identifiers: Orphanet 64749, MedGen C4082197, MONDO:0018995.

Allele frequency attached by ClinVar (database versions not stated): gnomAD 0.00001; TOPMed 0.00001.
gnomAD v4.1: 4 of 1,541,334 alleles (0.00026%); highest among the groups gnomAD compares: Non-Finnish European, 0.00036%; no homozygotes.

Submission:

Labcorp Genetics (formerly Invitae), Labcorp
Classification: Uncertain significance for Charcot-Marie-Tooth disease type 4. Last evaluated: 2022-07-19. Review status: criteria provided, single submitter. Criteria: Invitae Variant Classification Sherloc (09022015). Collection method: clinical testing. Allele origin: germline.
Comment: This sequence change replaces tyrosine, which is neutral and polar, with cysteine, which is neutral and slightly polar, at codon 254 of the SBF2 protein (p.Tyr254Cys). In summary, the available evidence is currently insufficient to determine the role of this variant in disease. Therefore, it has been classified as a Variant of Uncertain Significance. Algorithms developed to predict the effect of missense changes on protein structure and function are either unavailable or do not agree on the potential impact of this missense change (SIFT: "Tolerated"; PolyPhen-2: "Probably Damaging"; Align-GVGD: "Class C0"). ClinVar contains an entry for this variant (Variation ID: 835478). This variant has not been reported in the literature in individuals affected with SBF2-related conditions. This variant is not present in population databases (gnomAD no frequency).

NM_030962.4(SBF2):c.761A>G (p.Tyr254Cys)

Gene: SBF2 (SET binding factor 2; minus strand). Cytogenetic location: 11p15.4.
Variant type: single nucleotide variant.
Coding change: c.761A>G on transcript NM_030962.4 (MANE Select); coding-DNA position 761, A replaced by G.
Protein change: p.Tyr254Cys; replaces tyrosine 254 with cysteine.
Molecular consequence: missense variant.
Genome position (GRCh38, 1-based): chr11:10,001,014, T>C on the plus strand (A>G on the coding strand, the complement: SBF2 is on the minus strand). VCF-style: chr11-10001014-T-C. GRCh37 (hg19) VCF-style: chr11-10022561-T-C.
Other names: c.761A>G, p.Tyr254Cys (NM_001386339.1, NM_001386342.1); short protein forms Y254C.
Identifiers: ClinVar variation 835478 (VCV000835478.10), dbSNP rs1947932613, ClinGen allele CA379642117.